The following is an entry in ClinVar:

ClinVar aggregate classification (germline): Benign (1 of 4 stars; one submission).

Allele frequency attached by ClinVar (database versions not stated): 1000 Genomes Project 0.15954; gnomAD 0.16669 and 0.17780; 1000 Genomes Project 30x 0.17083; TOPMed 0.18045.
gnomAD v4.1: 25,195 of 152,184 alleles (17%); highest among the groups gnomAD compares: African/African-American, 47%; 4,806 homozygotes.

Submission:

GeneDx
Classification: Benign. Last evaluated: 2018-06-14. Review status: criteria provided, single submitter. Criteria: GeneDx Variant Classification (06012015). Collection method: clinical testing. Allele origin: germline. Affected: yes.
Comment: This variant is considered likely benign or benign based on one or more of the following criteria: it is a conservative change, it occurs at a poorly conserved position in the protein, it is predicted to be benign by multiple in silico algorithms, and/or has population frequency not consistent with disease.

NM_147127.5(EVC2):c.2502-240G>A

Gene: EVC2 (EvC ciliary complex subunit 2; minus strand). Cytogenetic location: 4p16.2.
Variant type: single nucleotide variant.
Coding change: c.2502-240G>A on transcript NM_147127.5 (MANE Select); 240 bases into the intron before coding-DNA position 2502, G replaced by A.
Molecular consequence: intron variant.
Genome position (GRCh38, 1-based): chr4:5,618,922, C>T on the plus strand (G>A on the coding strand, the complement: EVC2 is on the minus strand). VCF-style: chr4-5618922-C-T. GRCh37 (hg19) VCF-style: chr4-5620649-C-T.
Other names: c.2262-240G>A (NM_001166136.2).
Identifiers: ClinVar variation 670010 (VCV000670010.1), dbSNP rs57126574, ClinGen allele CA91697432.
Genomic context (GRCh38, chr4:5,618,922, plus strand): 5'-GCATAGGACATTGTATTGGAGCTAGGAATGAGAGCTGAATGAGGCCAGGCTGTGAGGGTG[C>T]CTTTGAGGAGGCAACAGGCCTTCCAGTGCCCACGACCTTGCAATTAACCTGGTCTCACTT-3'